The following is an entry in ClinVar:

NM_001844.5(COL2A1):c.1169G>T (p.Gly390Val)

Gene: COL2A1 (collagen type II alpha 1 chain; minus strand). Cytogenetic location: 12q13.11.
Variant type: single nucleotide variant.
Coding change: c.1169G>T on transcript NM_001844.5 (MANE Select); coding-DNA position 1169, G replaced by T.
Protein change: p.Gly390Val; replaces glycine 390 with valine.
Molecular consequence: missense variant.
Genome position (GRCh38, 1-based): chr12:47,987,663, C>A on the plus strand (G>T on the coding strand, the complement: COL2A1 is on the minus strand). VCF-style: chr12-47987663-C-A. GRCh37 (hg19) VCF-style: chr12-48381446-C-A.
Other names: c.962G>T, p.Gly321Val (NM_033150.3); short protein forms G321V, G390V.
Identifiers: ClinVar variation 1330682 (VCV001330682.7), dbSNP rs2136579397, ClinGen allele CA384554528.
Genomic context (GRCh38, chr12:47,987,663, plus strand): 5'-GCACTTACGGAGGCACCAGCAGGCCCAGGGGACCCAGGAGTACCAGGTTCACCGCGAGGA[C>A]CTTGAGCACCTTCAGGACCACGGGCACCAGTGGGGCCGGCTTCACCCTGGGAAGAGACAG-3'
Protein context (NP_001835.3, residues 380-400): TGARGPEGAQ[Gly390Val]PRGEPGTPGS

ClinVar aggregate classification (germline): Likely pathogenic (1 of 4 stars; one submission).

Submission:

ARUP Laboratories, Molecular Genetics and Genomics, ARUP Laboratories
Classification: Likely pathogenic. Last evaluated: 2021-08-26. Review status: criteria provided, single submitter. Criteria: ARUP Molecular Germline Variant Investigation Process 2021. Collection method: clinical testing. Allele origin: germline.
Comment: The COL2A1 c.1169G>T; p.Gly390Val variant, to our knowledge, is not reported in the medical literature or gene specific databases. This variant is also absent from general population databases (Exome Variant Server, Genome Aggregation Database), indicating it is not a common polymorphism. The glycine at codon 390 is highly conserved, and computational analyses predict that this variant is deleterious (REVEL: 0.98).This variant disrupts the repeating Gly-X-Y sequence motif of the collagen triple helix and is predicted to impair collagen function (Barat-Houari 2016). Based on available information, this variant is considered to be likely pathogenic. References: Barat-Houari M et al. Mutation Update for COL2A1 Gene Variants Associated with Type II Collagenopathies. Hum Mutat. 2016 Jan;37(1):7-15.